The following is an entry in ClinVar:

ClinVar aggregate classification (germline): Likely pathogenic. Review status: criteria provided, multiple submitters, no conflicts (2 of 4 stars). 4 submissions from 4 submitters: Likely pathogenic (2). 2 of the submissions do not count toward it. Last evaluated 2025-05-28.

Conditions:
FGFR1-related disorder. Also called: FGFR1-related condition; FGFR1-related disorders. Identifiers: MedGen CN380097.
Inborn genetic diseases. Identifiers: MedGen C0950123, MeSH D030342.
Hypogonadotropic hypogonadism 2 with or without anosmia (HH2). Also called: FGFR1-Related GnRH Deficiency (Kallmann Syndrome 2); HYPOGONADOTROPIC HYPOGONADISM 2 WITHOUT ANOSMIA; HYPOGONADOTROPIC HYPOGONADISM 2 WITH OR WITHOUT ANOSMIA, SUSCEPTIBILITY TO; HYPOGONADOTROPIC HYPOGONADISM 2 WITHOUT ANOSMIA, SUSCEPTIBILITY TO. Identifiers: Orphanet 478, MedGen C1563720, MONDO:0007844, OMIM 147950. Disease mechanism: loss of function.

Submissions (4):

Ambry Genetics
Classification: Likely pathogenic for Inborn genetic diseases. Last evaluated: 2025-05-28. Review status: criteria provided, single submitter. Criteria: Ambry Variant Classification Scheme 2023. Collection method: clinical testing. Allele origin: germline.
Comment: The c.625C>T (p.R209C) alteration is located in exon 6 (coding exon 5) of the FGFR1 gene. This alteration results from a C to T substitution at nucleotide position 625, causing the arginine (R) at amino acid position 209 to be replaced by a cysteine (C). for FGFR1-related hypogonadotropic hypogonadism; however, its clinical significance for autosomal dominant FGFR1-related skeletal dysplasia is uncertain. This variant was not reported in population-based cohorts in the Genome Aggregation Database (gnomAD). This variant was reported in individual(s) with features consistent with FGFR1-related hypogonadotropic hypogonadism (Kallman syndrome); in at least one individual, it was determined to be de novo (Tommiska, 2014; Akku, 2017; Wang, 2020; external communication). This amino acid position is highly conserved in available vertebrate species. This alteration is predicted to be deleterious by in silico analysis. Based on the available evidence, this alteration is classified as likely pathogenic.

PreventionGenetics, part of Exact Sciences
Classification: Likely pathogenic for FGFR1-related condition. Last evaluated: 2023-09-13. Review status: criteria provided, single submitter. Criteria: ACMG Guidelines, 2015. Collection method: clinical testing. Allele origin: germline.
Comment: The FGFR1 c.625C>T variant is predicted to result in the amino acid substitution p.Arg209Cys. This variant has been previously reported in individuals with Kallmann syndrome with or without cleft lip/palate (Supplementary table 2, Dodé et al 2009. PubMed ID: 18985070; reported as NM 001174066: c.358C>T, p.R120C in case 3, Xu et al. 2015. PubMed ID: 26199944). This variant was also reported as inherited from an unaffected father in an individual with hypogonadotropic hypogonadism (Akkuş et al. 2016. PubMed ID: 28008864). In vitro functional studies using a reporter gene assay found a modest decrease in expression compared to wild type isoform (Wang et al 2020. PubMed ID: 32666525), leading the authors to hypothesize the presence of other unidentified gene variant(s) associated with IHH (Wang et al 2020. PubMed ID: 32666525). This variant has not been reported in a large population database, indicating this variant is rare; and, in Clinvar it is interpreted as likely pathogenic. In summary, this variant is interpreted as likely pathogenic.

Yale Center for Mendelian Genomics, Yale University
Classification: Likely pathogenic for Hypogonadotropic hypogonadism 2 with or without anosmia. Last evaluated: 2016-12-16. Review status: no assertion criteria provided. Collection method: literature only. Allele origin: germline. Affected: yes. Observed: 2 heterozygotes. Not counted in ClinVar's aggregate classification.

Department of Urology, Tongji Hospital, Tongji Medical College, Huazhong University of Science and Technology
Classification: Likely pathogenic for Hypogonadotropic hypogonadism 2 with or without anosmia. Review status: no assertion criteria provided. Collection method: research. Allele origin: germline. Affected: yes. Not counted in ClinVar's aggregate classification.

Literature cited by the submitters: PubMed 24732674 (cited by Ambry Genetics); PubMed 28008864 (cited by Ambry Genetics and Yale Center for Mendelian Genomics, Yale University); PubMed 32666525 (cited by Ambry Genetics).

NM_023110.3(FGFR1):c.625C>T (p.Arg209Cys)

Gene: FGFR1 (fibroblast growth factor receptor 1; minus strand). Cytogenetic location: 8p11.23.
Variant type: single nucleotide variant.
Coding change: c.625C>T on transcript NM_023110.3 (MANE Select); coding-DNA position 625, C replaced by T.
Protein change: p.Arg209Cys; replaces arginine 209 with cysteine.
Molecular consequence: missense variant.
Genome position (GRCh38, 1-based): chr8:38,426,242, G>A on the plus strand (C>T on the coding strand, the complement: FGFR1 is on the minus strand). VCF-style: chr8-38426242-G-A. GRCh37 (hg19) VCF-style: chr8-38283760-G-A.
Other names: c.625C>T, p.Arg209Cys (NM_001174063.2); c.601C>T, p.Arg201Cys (NM_001174064.2); c.619C>T, p.Arg207Cys (NM_001174065.2, NM_001354367.2, NM_001354369.2 and 1 more transcripts); c.358C>T, p.Arg120Cys (NM_001174066.2, NM_023105.3); c.718C>T, p.Arg240Cys (NM_001174067.2); c.352C>T, p.Arg118Cys (NM_001354368.2, NM_001354370.2, NM_023106.3); short protein forms R209C, R118C, R201C, R207C, R120C, R240C.
Identifiers: ClinVar variation 548670 (VCV000548670.4), dbSNP rs1554564353, ClinGen allele CA370735472.
Genomic context (GRCh38, chr8:38,426,242, plus strand): 5'-TGTAGTTGCCCTTGTCAGAGGGCACCACAGAGTCCATTATGATGCTCCAGGTGGCATAAC[G>A]GACCTGAGGGGAAATGCCAAAGGGATACATTGAGGGTCCAGAGGAAAATGCAGGCCCCAT-3'
Protein context (NP_075598.2, residues 199-219): PDHRIGGYKV[Arg209Cys]YATWSIIMDS